The following is an entry in ClinVar:

ClinVar aggregate classification (germline): Uncertain significance (1 of 4 stars; one submission).

Conditions:
Cardiovascular phenotype. Identifiers: MedGen CN230736.

Submission:

Ambry Genetics
Classification: Uncertain significance for Cardiovascular phenotype. Last evaluated: 2026-02-22. Review status: criteria provided, single submitter. Criteria: Ambry Variant Classification Scheme 2023. Collection method: clinical testing. Allele origin: germline.
Comment: The p.E2534G variant (also known as c.7601A>G), located in coding exon 31 of the AKAP9 gene, results from an A to G substitution at nucleotide position 7601. The glutamic acid at codon 2534 is replaced by glycine, an amino acid with similar properties. This amino acid position is conserved. In addition, this alteration is predicted to be tolerated by in silico analysis. Based on the available evidence, the clinical significance of this variant remains unclear.

NM_005751.5(AKAP9):c.7601A>G (p.Glu2534Gly)

Gene: AKAP9 (A-kinase anchoring protein 9; plus strand). Cytogenetic location: 7q21.2.
Variant type: single nucleotide variant.
Coding change: c.7601A>G on transcript NM_005751.5 (MANE Select); coding-DNA position 7601, A replaced by G.
Protein change: p.Glu2534Gly; replaces glutamic acid 2534 with glycine.
Molecular consequence: missense variant.
Genome position (GRCh38, 1-based): chr7:92,079,734, A>G. VCF-style: chr7-92079734-A-G. GRCh37 (hg19) VCF-style: chr7-91709048-A-G.
Other names: c.2246A>G, p.Glu749Gly (NM_001379277.1); c.7577A>G, p.Glu2526Gly (NM_147185.3); short protein forms E749G, E2526G, E2534G.
Identifiers: ClinVar variation 4845181 (VCV004845181.1).